The following is an entry in ClinVar:

NM_001354930.2(RIPK1):c.419A>T (p.Lys140Met)

Gene: RIPK1 (receptor interacting serine/threonine kinase 1; plus strand). Cytogenetic location: 6p25.2.
Variant type: single nucleotide variant.
Coding change: c.419A>T on transcript NM_001354930.2 (MANE Select); coding-DNA position 419, A replaced by T.
Protein change: p.Lys140Met; replaces lysine 140 with methionine.
Molecular consequence: missense variant. On other transcripts: 5 prime UTR variant (4), intron variant (1).
Genome position (GRCh38, 1-based): chr6:3,081,076, A>T. VCF-style: chr6-3081076-A-T. GRCh37 (hg19) VCF-style: chr6-3081310-A-T.
Other names: c.-185A>T (NM_001317061.3, NM_001354932.2, NM_001354933.2 and 1 more transcripts); c.419A>T, p.Lys140Met (NM_003804.6); c.322-2009A>T (NM_001354931.2); short protein forms K140M.
Identifiers: ClinVar variation 2776503 (VCV002776503.3), dbSNP rs2533182502, ClinGen allele CA362577098.

ClinVar aggregate classification (germline): Uncertain significance (1 of 4 stars; one submission).

Submission:

Labcorp Genetics (formerly Invitae), Labcorp
Classification: Uncertain significance. Last evaluated: 2024-10-07. Review status: criteria provided, single submitter. Criteria: Invitae Variant Classification Sherloc (09022015). Collection method: clinical testing. Allele origin: germline.
Comment: This sequence change replaces lysine, which is basic and polar, with methionine, which is neutral and non-polar, at codon 140 of the RIPK1 protein (p.Lys140Met). This variant is not present in population databases (gnomAD no frequency). This variant has not been reported in the literature in individuals affected with RIPK1-related conditions. An algorithm developed to predict the effect of missense changes on protein structure and function (PolyPhen-2) suggests that this variant is likely to be disruptive. In summary, the available evidence is currently insufficient to determine the role of this variant in disease. Therefore, it has been classified as a Variant of Uncertain Significance.